The following is an entry in ClinVar:

NM_004646.4(NPHS1):c.3531T>C (p.Asp1177=)

Gene: NPHS1 (NPHS1 adhesion molecule, nephrin; minus strand). Cytogenetic location: 19q13.12.
Variant type: single nucleotide variant.
Coding change: c.3531T>C on transcript NM_004646.4 (MANE Select); coding-DNA position 3531, T replaced by C.
Protein change: p.Asp1177=; no amino-acid change (aspartic acid 1177 retained).
Molecular consequence: synonymous variant.
Genome position (GRCh38, 1-based): chr19:35,830,907, A>G on the plus strand (T>C on the coding strand, the complement: NPHS1 is on the minus strand). VCF-style: chr19-35830907-A-G. GRCh37 (hg19) VCF-style: chr19-36321809-A-G.
Identifiers: ClinVar variation 3030716 (VCV003030716.2), dbSNP rs1972870101, ClinGen allele CA507091806.
Genomic context (GRCh38, chr19:35,830,907, plus strand): 5'-CTGCACTTCATCGTAGAGGGGTCCCCAGGCTCCAGACGGGGGGTACGTTCTTTCTACCTC[A>G]TCATACAAGTGCCCAGGGAAGGCCATATCCTCATCTTCACCTGTGAAACCTGGAGTTGGA-3'
Protein context (NP_004637.1, residues 1167-1187): EDMAFPGHLY[Asp1177=]EVERTYPPSG

ClinVar aggregate classification (germline): Likely benign (0 of 4 stars; one submission).

Conditions:
NPHS1-related disorder. Also called: NPHS1-related condition.

Allele frequency attached by ClinVar (database versions not stated): TOPMed below 0.00001.

Submission:

PreventionGenetics, part of Exact Sciences
Classification: Likely benign for NPHS1-related condition. Last evaluated: 2020-12-15. Review status: no assertion criteria provided. Collection method: clinical testing. Allele origin: germline.
Comment: This variant is classified as likely benign based on ACMG/AMP sequence variant interpretation guidelines (Richards et al. 2015 PMID: 25741868, with internal and published modifications).